The following is an entry in ClinVar:

NM_199420.4(POLQ):c.3535A>C (p.Asn1179His)

Gene: POLQ (DNA polymerase theta; minus strand). Cytogenetic location: 3q13.33.
Variant type: single nucleotide variant.
Coding change: c.3535A>C on transcript NM_199420.4 (MANE Select); coding-DNA position 3535, A replaced by C.
Protein change: p.Asn1179His; replaces asparagine 1179 with histidine.
Molecular consequence: missense variant.
Genome position (GRCh38, 1-based): chr3:121,489,396, T>G on the plus strand (A>C on the coding strand, the complement: POLQ is on the minus strand). VCF-style: chr3-121489396-T-G. GRCh37 (hg19) VCF-style: chr3-121208243-T-G.
Other names: short protein forms N1179H.
Identifiers: ClinVar variation 1732396 (VCV001732396.2), dbSNP rs780943469, ClinGen allele CA2563041.

ClinVar aggregate classification (germline): Uncertain significance (1 of 4 stars; one submission).

Allele frequency attached by ClinVar (database versions not stated): ExAC 0.00001; gnomAD exomes 0.00001; TOPMed 0.00001.
gnomAD v4.1: 13 of 1,613,630 alleles (0.00081%); highest among the groups gnomAD compares: Non-Finnish European, 0.001%; no homozygotes.

Submission:

Ambry Genetics
Classification: Uncertain significance. Last evaluated: 2023-10-16. Review status: criteria provided, single submitter. Criteria: Ambry Variant Classification Scheme 2023. Collection method: clinical testing. Allele origin: germline.
Comment: The p.N1179H variant (also known as c.3535A>C), located in coding exon 16 of the POLQ gene, results from an A to C substitution at nucleotide position 3535. The asparagine at codon 1179 is replaced by histidine, an amino acid with similar properties. This amino acid position is conserved. In addition, this alteration is predicted to be tolerated by in silico analysis. Since supporting evidence is limited at this time, the clinical significance of this alteration remains unclear.